The following is an entry in ClinVar:

NM_004385.5(VCAN):c.5300C>T (p.Ser1767Leu)

Genes: VCAN (versican; plus strand), VCAN-AS1 (VCAN antisense RNA 1; minus strand). Cytogenetic location: 5q14.3.
Variant type: single nucleotide variant.
Coding change: c.5300C>T on transcript NM_004385.5 (MANE Select); coding-DNA position 5300, C replaced by T.
Protein change: p.Ser1767Leu; replaces serine 1767 with leucine.
Molecular consequence: missense variant. On other transcripts: intron variant (2).
Genome position (GRCh38, 1-based): chr5:83,538,303, C>T. VCF-style: chr5-83538303-C-T. GRCh37 (hg19) VCF-style: chr5-82834122-C-T.
Other names: c.2339C>T, p.Ser780Leu (NM_001164097.2); c.4004-7234C>T (NM_001164098.2); c.1043-7234C>T (NM_001126336.3); short protein forms S780L, S1767L.
Identifiers: ClinVar variation 1411019 (VCV001411019.8), dbSNP rs2112442039, ClinGen allele CA360310110.
Genomic context (GRCh38, chr5:83,538,303, plus strand): 5'-CGGATCAATTAATTTTACCCTTTGAATTAGAAAGTCCAAATGTAGCTACATCTAGTGATT[C>T]AGGTACCAGGAAAAGTTTTATGTCCTTGACAACACCAACACAGTCTGAAAGGGAAATGAC-3'
Protein context (NP_004376.2, residues 1757-1777): ESPNVATSSD[Ser1767Leu]GTRKSFMSLT

ClinVar aggregate classification (germline): Uncertain significance (1 of 4 stars; one submission).

Submission:

Labcorp Genetics (formerly Invitae), Labcorp
Classification: Uncertain significance. Last evaluated: 2022-09-06. Review status: criteria provided, single submitter. Criteria: Invitae Variant Classification Sherloc (09022015). Collection method: clinical testing. Allele origin: germline.
Comment: This variant has not been reported in the literature in individuals affected with VCAN-related conditions. In summary, the available evidence is currently insufficient to determine the role of this variant in disease. Therefore, it has been classified as a Variant of Uncertain Significance. Algorithms developed to predict the effect of missense changes on protein structure and function output the following: SIFT: "Tolerated"; PolyPhen-2: "Benign"; Align-GVGD: "Class C0". The leucine amino acid residue is found in multiple mammalian species, which suggests that this missense change does not adversely affect protein function. ClinVar contains an entry for this variant (Variation ID: 1411019). This variant is not present in population databases (gnomAD no frequency). This sequence change replaces serine, which is neutral and polar, with leucine, which is neutral and non-polar, at codon 1767 of the VCAN protein (p.Ser1767Leu).